The following is an entry in ClinVar:

ClinVar aggregate classification (germline): Uncertain significance (1 of 4 stars; one submission).

Allele frequency attached by ClinVar (database versions not stated): TOPMed below 0.00001; gnomAD 0.00001.
gnomAD v4.1: 2 of 1,610,422 alleles (0.00012%); highest among the groups gnomAD compares: Non-Finnish European, 0.000085%; no homozygotes.

Submission:

Labcorp Genetics (formerly Invitae), Labcorp
Classification: Uncertain significance. Last evaluated: 2022-01-25. Review status: criteria provided, single submitter. Criteria: Invitae Variant Classification Sherloc (09022015). Collection method: clinical testing. Allele origin: germline.
Comment: In summary, the available evidence is currently insufficient to determine the role of this variant in disease. Therefore, it has been classified as a Variant of Uncertain Significance. Algorithms developed to predict the effect of missense changes on protein structure and function output the following: SIFT: "Tolerated"; PolyPhen-2: "Benign"; Align-GVGD: "Class C0". The serine amino acid residue is found in multiple mammalian species, which suggests that this missense change does not adversely affect protein function. This variant has not been reported in the literature in individuals affected with LONP1-related conditions. This variant is not present in population databases (gnomAD no frequency). This sequence change replaces proline, which is neutral and non-polar, with serine, which is neutral and polar, at codon 948 of the LONP1 protein (p.Pro948Ser).

NM_004793.4(LONP1):c.2842C>T (p.Pro948Ser)

Gene: LONP1 (lon peptidase 1, mitochondrial; minus strand). Cytogenetic location: 19p13.3.
Variant type: single nucleotide variant.
Coding change: c.2842C>T on transcript NM_004793.4 (MANE Select); coding-DNA position 2842, C replaced by T.
Protein change: p.Pro948Ser; replaces proline 948 with serine.
Molecular consequence: missense variant. On other transcripts: non-coding transcript variant (1).
Genome position (GRCh38, 1-based): chr19:5,692,070, G>A on the plus strand (C>T on the coding strand, the complement: LONP1 is on the minus strand). VCF-style: chr19-5692070-G-A. GRCh37 (hg19) VCF-style: chr19-5692081-G-A.
Other names: c.2650C>T, p.Pro884Ser (NM_001276479.2); c.2254C>T, p.Pro752Ser (NM_001276480.1); short protein forms P884S, P752S, P948S.
Identifiers: ClinVar variation 1428177 (VCV001428177.6), dbSNP rs1351587881, ClinGen allele CA403524698.
Genomic context (GRCh38, chr19:5,692,070, plus strand): 5'-GCCTGCAGTCCCGGGGTGGCCGTCACCGTTCCACGGCCAGCGCCTCTGCCTGCTCGTCCG[G>A]GAAGGCGATGTCGAAGATCTCCCGGTAGTGTTCCACGAAGTGCACCTCCAGGCCCTCGGT-3'
Protein context (NP_004784.2, residues 938-958): HYREIFDIAF[Pro948Ser]DEQAEALAVE